The following is an entry in ClinVar:

ClinVar aggregate classification (germline): Conflicting classifications of pathogenicity. Review status: criteria provided, conflicting classifications (1 of 4 stars). 4 submissions from 4 submitters: Pathogenic (1); Likely pathogenic (2); Uncertain significance (1). Last evaluated 2024-12-10.

Conditions:
Fumarase deficiency (FMRD). Also called: Fumarate Hydratase Deficiency; Fumaric aciduria. Identifiers: Orphanet 24, MedGen C0342770, MONDO:0011730, OMIM 606812.
Hereditary leiomyomatosis and renal cell cancer. Also called: Multiple cutaneous leiomyomas; LEIOMYOMA, MULTIPLE CUTANEOUS; Reed syndrome; Multiple cutaneous and uterine leiomyomatosis; Cutaneous leiomyomata with uterine leiomyomata; Leiomyoma, hereditary multiple, of skin. Identifiers: Orphanet 523, MedGen C1708350, MONDO:0007888, OMIM 150800, HP:0007437. Disease mechanism: loss of function.
FH-related disorder. Also called: FH-related disorders; FH-related condition.

Submissions (4):

Women's Health and Genetics/Laboratory Corporation of America, LabCorp
Classification: Likely pathogenic for Hereditary leiomyomatosis and renal cell cancer. Last evaluated: 2024-12-10. Review status: criteria provided, single submitter. Criteria: LabCorp Variant Classification Summary - May 2015. Collection method: clinical testing. Allele origin: germline.
Comment: Variant summary: FH c.473G>T (p.Ser158Ile), also reported as S115I, results in a non-conservative amino acid change in the encoded protein sequence. Five of five in-silico tools predict a damaging effect of the variant on protein function. The variant was absent in 251276 control chromosomes. The available data on variant occurrences in the general population are insufficient to allow any conclusion about variant significance. c.473G>T has been reported in the literature in multiple individuals affected with clinical features of Hereditary Leiomyomatosis And Renal Cell Cancer (example, Martinez-Mir_2003, Internal testing). These data indicate that the variant is likely to be associated with disease. To our knowledge, no experimental evidence demonstrating an impact on protein function has been reported. The following publication has been ascertained in the context of this evaluation (PMID: 14632190). ClinVar contains an entry for this variant (Variation ID: 964551). Based on the evidence outlined above, the variant was classified as likely pathogenic.

Department of Pathology and Laboratory Medicine, Sinai Health System
Classification: Uncertain significance for Hereditary leiomyomatosis and renal cell cancer; Fumarase deficiency. Last evaluated: 2024-07-22. Review status: criteria provided, single submitter. Criteria: ACMG Guidelines, 2015. Collection method: clinical testing. Allele origin: germline.

Labcorp Genetics (formerly Invitae), Labcorp
Classification: Pathogenic. Last evaluated: 2023-07-06. Review status: criteria provided, single submitter. Criteria: Invitae Variant Classification Sherloc (09022015). Collection method: clinical testing. Allele origin: germline.
Comment: For these reasons, this variant has been classified as Pathogenic. This sequence change replaces serine, which is neutral and polar, with isoleucine, which is neutral and non-polar, at codon 158 of the FH protein (p.Ser158Ile). This variant is not present in population databases (gnomAD no frequency). This missense change has been observed in individual(s) with clinical features of hereditary leiomyomatosis and renal cell cancer (PMID: 14632190; Invitae). It has also been observed to segregate with disease in related individuals. ClinVar contains an entry for this variant (Variation ID: 964551). Advanced modeling of protein sequence and biophysical properties (such as structural, functional, and spatial information, amino acid conservation, physicochemical variation, residue mobility, and thermodynamic stability) performed at Invitae indicates that this missense variant is expected to disrupt FH protein function.

Blueprint Genetics
Classification: Likely pathogenic for FH-related disorders. Last evaluated: 2023-01-12. Review status: criteria provided, single submitter. Criteria: ACMG Guidelines, 2015. Collection method: clinical testing. Allele origin: germline. Affected: yes. Observed: 1 variant allele.

Literature cited by the submitters: PubMed 14632190 (cited by 3 submitters).

NM_000143.4(FH):c.473G>T (p.Ser158Ile)

Gene: FH (fumarate hydratase; minus strand). Cytogenetic location: 1q43.
Variant type: single nucleotide variant.
Coding change: c.473G>T on transcript NM_000143.4 (MANE Select); coding-DNA position 473, G replaced by T.
Protein change: p.Ser158Ile; replaces serine 158 with isoleucine.
Molecular consequence: missense variant.
Genome position (GRCh38, 1-based): chr1:241,512,049, C>A on the plus strand (G>T on the coding strand, the complement: FH is on the minus strand). VCF-style: chr1-241512049-C-A. GRCh37 (hg19) VCF-style: chr1-241675349-C-A.
Other names: short protein forms S158I.
Identifiers: ClinVar variation 964551 (VCV000964551.12), dbSNP rs1060500902, ClinGen allele CA345440025.